The following is an entry in ClinVar:

ClinVar aggregate classification (germline): Pathogenic (1 of 4 stars; one submission).

Conditions:
Waardenburg syndrome type 4C (WS4C). Also called: WAARDENBURG SYNDROME WITH HIRSCHSPRUNG DISEASE, TYPE 4C. Identifiers: Orphanet 897, MedGen C2750452, MONDO:0013202, OMIM 613266.

Submission:

Department of Otolaryngology – Head & Neck Surgery, Cochlear Implant Center
Classification: Pathogenic for Waardenburg syndrome type 4C. Last evaluated: 2021-04-12. Review status: criteria provided, single submitter. Criteria: ClinGen HL ACMG Specifications v1. Collection method: clinical testing. Allele origin: germline. Affected: yes.
Comment: PVS1_Strong, PM2_Moderate, PP4_Supporting

NM_006941.4(SOX10):c.570C>A (p.Cys190Ter)

Genes: POLR2F (RNA polymerase II, I and III subunit F; plus strand), SOX10 (SRY-box transcription factor 10; minus strand). Cytogenetic location: 22q13.1.
Variant type: single nucleotide variant.
Coding change: c.570C>A on transcript NM_006941.4 (MANE Select); coding-DNA position 570, C replaced by A.
Protein change: p.Cys190Ter; replaces cysteine 190 with a stop codon.
Molecular consequence: nonsense. On other transcripts: intron variant (3).
Genome position (GRCh38, 1-based): chr22:37,977,994, G>T on the plus strand (C>A on the coding strand, the complement: SOX10 is on the minus strand). VCF-style: chr22-37977994-G-T. GRCh37 (hg19) VCF-style: chr22-38374001-G-T.
Other names: c.*38+5684G>T (NM_001363825.1); c.294-8160G>T (NM_001301130.2); c.293+10824G>T (NM_001301131.2); short protein forms C190*.
Identifiers: ClinVar variation 1065048 (VCV001065048.5), dbSNP rs756120041, ClinGen allele CA411497640.